The following is an entry in ClinVar:

NM_000334.4(SCN4A):c.289A>G (p.Asn97Asp)

Gene: SCN4A (sodium voltage-gated channel alpha subunit 4; minus strand). Cytogenetic location: 17q23.3.
Variant type: single nucleotide variant.
Coding change: c.289A>G on transcript NM_000334.4 (MANE Select); coding-DNA position 289, A replaced by G.
Protein change: p.Asn97Asp; replaces asparagine 97 with aspartic acid.
Molecular consequence: missense variant.
Genome position (GRCh38, 1-based): chr17:63,972,455, T>C on the plus strand (A>G on the coding strand, the complement: SCN4A is on the minus strand). VCF-style: chr17-63972455-T-C. GRCh37 (hg19) VCF-style: chr17-62049815-T-C.
Other names: short protein forms N97D.
Identifiers: ClinVar variation 2905262 (VCV002905262.3), dbSNP rs774293481, ClinGen allele CA8710209.
Genomic context (GRCh38, chr17:63,972,455, plus strand): 5'-AGGGGCTCAGCAGGTAGAGAGCAGGTGTGGCGGAGAAGCGGAAGATGGCCTTGCCCTTGT[T>C]GAGTACGATGAAGGTCTAAGGTGGGAGAGAGGCTGTGAGACCCAGGGACAGACAGACAGG-3'
Protein context (NP_000325.4, residues 87-107): YSNKKTFIVL[Asn97Asp]KGKAIFRFSA

ClinVar aggregate classification (germline): Uncertain significance (1 of 4 stars; one submission).

Conditions:
Hyperkalemic periodic paralysis. Also called: Familial hyperkalemic periodic paralysis; Gamstorp disease. Identifiers: Orphanet 682, MedGen C0238357, MONDO:0008224, OMIM 170500, HP:0007215.

Allele frequency attached by ClinVar (database versions not stated): gnomAD 0.00001; gnomAD exomes 0.00001; TOPMed 0.00001; ExAC 0.00003.
gnomAD v4.1: 11 of 1,613,674 alleles (0.00068%); highest among the groups gnomAD compares: African/African-American, 0.0013%; no homozygotes.

Submission:

Labcorp Genetics (formerly Invitae), Labcorp
Classification: Uncertain significance for Hyperkalemic periodic paralysis. Last evaluated: 2023-07-24. Review status: criteria provided, single submitter. Criteria: Invitae Variant Classification Sherloc (09022015). Collection method: clinical testing. Allele origin: germline.
Comment: This sequence change replaces asparagine, which is neutral and polar, with aspartic acid, which is acidic and polar, at codon 97 of the SCN4A protein (p.Asn97Asp). This variant is present in population databases (rs774293481, gnomAD 0.003%). This variant has not been reported in the literature in individuals affected with SCN4A-related conditions. Advanced modeling of protein sequence and biophysical properties (such as structural, functional, and spatial information, amino acid conservation, physicochemical variation, residue mobility, and thermodynamic stability) performed at Invitae indicates that this missense variant is not expected to disrupt SCN4A protein function. In summary, the available evidence is currently insufficient to determine the role of this variant in disease. Therefore, it has been classified as a Variant of Uncertain Significance.